The following is an entry in ClinVar:

NM_000051.4(ATM):c.1607G>A (p.Cys536Tyr)

Gene: ATM (ATM serine/threonine kinase; plus strand). Cytogenetic location: 11q22.3.
Variant type: single nucleotide variant.
Coding change: c.1607G>A on transcript NM_000051.4 (MANE Select); coding-DNA position 1607, G replaced by A.
Protein change: p.Cys536Tyr; replaces cysteine 536 with tyrosine.
Molecular consequence: missense variant.
Genome position (GRCh38, 1-based): chr11:108,251,072, G>A. VCF-style: chr11-108251072-G-A. GRCh37 (hg19) VCF-style: chr11-108121799-G-A.
Other names: c.1607G>A, p.Cys536Tyr (NM_001351834.2); short protein forms C536Y.
Identifiers: ClinVar variation 4734789 (VCV004734789.1).

ClinVar aggregate classification (germline): Uncertain significance (1 of 4 stars; one submission).

Conditions:
Ataxia-telangiectasia syndrome (AT). Also called: Cerebello-oculocutaneous telangiectasia; Immunodeficiency with ataxia telangiectasia; Ataxia-telangiectasia, complementation group E; LOUIS-BAR SYNDROME; AT, COMPLEMENTATION GROUP C; ATAXIA-TELANGIECTASIA, COMPLEMENTATION GROUP A. Identifiers: Orphanet 100, MedGen C0004135, MONDO:0008840, OMIM 208900.

Submission:

Labcorp Genetics (formerly Invitae), Labcorp
Classification: Uncertain significance for Ataxia-telangiectasia syndrome. Last evaluated: 2026-01-06. Review status: criteria provided, single submitter. Criteria: Invitae Variant Classification Sherloc (09022015). Collection method: clinical testing. Allele origin: germline.
Comment: This sequence change replaces cysteine, which is neutral and slightly polar, with tyrosine, which is neutral and polar, at codon 536 of the ATM protein (p.Cys536Tyr). This variant also falls at the last nucleotide of exon 10, which is part of the consensus splice site for this exon. This variant is present in population databases (rs769788188, gnomAD 0.0009%). This variant has not been reported in the literature in individuals affected with ATM-related conditions. An algorithm developed to predict the effect of missense changes on protein structure and function (PolyPhen-2) suggests that this variant is likely to be tolerated. Variants that disrupt the consensus splice site are a relatively common cause of aberrant splicing (PMID: 17576681, 9536098). Studies have shown that this missense change is associated with inconclusive levels of altered splicing (internal data). In summary, the available evidence is currently insufficient to determine the role of this variant in disease. Therefore, it has been classified as a Variant of Uncertain Significance.

Literature cited by the submitters: PubMed 17576681; PubMed 9536098.